The following is an entry in ClinVar:

ClinVar aggregate classification (germline): Benign/Likely benign. Review status: criteria provided, multiple submitters, no conflicts (2 of 4 stars). 13 submissions from 13 submitters: Benign (8); Likely benign (1). 4 of the submissions do not count toward it. Last evaluated 2026-02-02.

Conditions:
Collagen 6-related myopathy. Identifiers: MedGen CN117976, MONDO:0100225.
Bethlem myopathy 1A. Also called: Bethlem Muscular Dystrophy; MYOPATHY, BENIGN CONGENITAL, WITH CONTRACTURES; Bethlem myopathy 1. Identifiers: Orphanet 610, MedGen CN029274, MONDO:0024530, OMIM 158810.

Allele frequency attached by ClinVar (database versions not stated): 1000 Genomes Project 0.01617; 1000 Genomes Project 30x 0.01765; TOPMed 0.02997; ESP Exome Variant Server 0.03477; gnomAD 0.03502 and 0.03565; gnomAD exomes 0.03839 and 0.04842; ExAC 0.04002.
gnomAD v4.1: 75,481 of 1,611,360 alleles (4.7%); highest among the groups gnomAD compares: Non-Finnish European, 5.3%; 2,028 homozygotes.

Submissions (13):

Labcorp Genetics (formerly Invitae), Labcorp
Classification: Benign for Bethlem myopathy 1A. Last evaluated: 2026-02-02. Review status: criteria provided, single submitter. Criteria: Invitae Variant Classification Sherloc (09022015). Collection method: clinical testing. Allele origin: germline.

Blueprint Genetics
Classification: Benign. Last evaluated: 2024-11-28. Review status: criteria provided, single submitter. Criteria: ACMG Guidelines, 2015. Collection method: clinical testing. Allele origin: germline.

Athena Diagnostics
Classification: Benign. Last evaluated: 2024-08-29. Review status: criteria provided, single submitter. Criteria: Athena Diagnostics Criteria. Collection method: clinical testing. Allele origin: unknown.

Illumina Laboratory Services, Illumina
Classification: Benign for Collagen VI-related myopathy. Last evaluated: 2018-01-13. Review status: criteria provided, single submitter. Criteria: ICSL Variant Classification Criteria 13 December 2019. Collection method: clinical testing. Allele origin: germline.
Comment: This variant was observed in the ICSL laboratory as part of a predisposition screen in an ostensibly healthy population. It had not been previously curated by ICSL or reported in the Human Gene Mutation Database (HGMD: prior to June 1st, 2018), and was therefore a candidate for classification through an automated scoring system. Utilizing variant allele frequency, disease prevalence and penetrance estimates, and inheritance mode, an automated score was calculated to assess if this variant is too frequent to cause the disease. Based on the score and internal cut-off values, a variant classified as benign is not then subjected to further curation. The score for this variant resulted in a classification of benign for this disease.

Mayo Clinic Laboratories, Mayo Clinic
Classification: Benign. Last evaluated: 2017-12-07. Review status: criteria provided, single submitter. Criteria: ACMG Guidelines, 2015. Collection method: clinical testing. Allele origin: germline. Observed: 52 variant alleles.

GeneDx
Classification: Benign. Last evaluated: 2016-01-14. Review status: criteria provided, single submitter. Criteria: GeneDx Variant Classification (06012015). Collection method: clinical testing. Allele origin: germline. Affected: yes.
Comment: This variant is considered likely benign or benign based on one or more of the following criteria: it is a conservative change, it occurs at a poorly conserved position in the protein, it is predicted to be benign by multiple in silico algorithms, and/or has population frequency not consistent with disease.

Eurofins Ntd Llc (ga)
Classification: Benign. Last evaluated: 2012-11-16. Review status: criteria provided, single submitter. Criteria: EGL Classification Definitions 2015. Collection method: clinical testing. Allele origin: germline. Observed: 4 variant alleles, 3 heterozygotes, 1 homozygote.

Breakthrough Genomics
Classification: Likely benign. Review status: criteria provided, single submitter. Criteria: ACMG Guidelines, 2015. Collection method: not provided. Allele origin: germline. Inheritance: Autosomal recessive inheritance. Affected: yes.

PreventionGenetics, part of Exact Sciences
Classification: Benign. Review status: criteria provided, single submitter. Criteria: ACMG Guidelines, 2015. Collection method: clinical testing. Allele origin: germline.

Clinical Genetics, Academic Medical Center
Classification: Benign. Review status: no assertion criteria provided. Collection method: clinical testing. Allele origin: germline. Affected: yes. Study: VKGL Data-share Consensus. Not counted in ClinVar's aggregate classification.

Genetic Services Laboratory, University of Chicago
Classification: Likely benign for AllHighlyPenetrant. Review status: no assertion criteria provided. Collection method: clinical testing. Allele origin: germline. Not counted in ClinVar's aggregate classification.
Comment: Likely benign based on allele frequency in 1000 Genomes Project or ESP global frequency and its presence in a patient with a rare or unrelated disease phenotype. NOT Sanger confirmed.

Joint Genome Diagnostic Labs from Nijmegen and Maastricht, Radboudumc and MUMC+
Classification: Benign. Review status: no assertion criteria provided. Collection method: clinical testing. Allele origin: germline. Affected: yes. Study: VKGL Data-share Consensus. Not counted in ClinVar's aggregate classification.

Laboratory of Diagnostic Genome Analysis, Leiden University Medical Center (LUMC)
Classification: Benign. Review status: no assertion criteria provided. Collection method: clinical testing. Allele origin: germline. Affected: yes. Study: VKGL Data-share Consensus. Not counted in ClinVar's aggregate classification.

NM_001849.4(COL6A2):c.714+9C>T

Gene: COL6A2 (collagen type VI alpha 2 chain; plus strand). Cytogenetic location: 21q22.3.
Variant type: single nucleotide variant.
Coding change: c.714+9C>T on transcript NM_001849.4 (MANE Select); 9 bases into the intron after coding-DNA position 714, C replaced by T.
Molecular consequence: intron variant.
Genome position (GRCh38, 1-based): chr21:46,112,586, C>T. VCF-style: chr21-46112586-C-T. GRCh37 (hg19) VCF-style: chr21-47532500-C-T.
Other names: p.?; c.714+9C>T (NM_058175.3, NM_058174.3).
Identifiers: ClinVar variation 93959 (VCV000093959.33), dbSNP rs78822624, ClinGen allele CA147512.